The following is an entry in ClinVar:

ClinVar aggregate classification (germline): Uncertain significance (1 of 4 stars; one submission).

Submission:

Labcorp Genetics (formerly Invitae), Labcorp
Classification: Uncertain significance. Last evaluated: 2022-07-19. Review status: criteria provided, single submitter. Criteria: Invitae Variant Classification Sherloc (09022015). Collection method: clinical testing. Allele origin: germline.
Comment: In summary, the available evidence is currently insufficient to determine the role of this variant in disease. Therefore, it has been classified as a Variant of Uncertain Significance. This variant has not been reported in the literature in individuals affected with TNNI3K-related conditions. This variant is not present in population databases (gnomAD no frequency). This sequence change creates a premature translational stop signal (p.Leu153*) in the TNNI3K gene. It is expected to result in an absent or disrupted protein product. However, the current clinical and genetic evidence is not sufficient to establish whether loss-of-function variants in TNNI3K cause disease.

NM_015978.3(TNNI3K):c.457_464delinsTG (p.Leu153_Gln155delinsTer)

Genes: FPGT-TNNI3K (FPGT-TNNI3K readthrough; plus strand), TNNI3K (TNNI3 interacting kinase; plus strand). Cytogenetic location: 1p31.1.
Variant type: Indel.
Coding change: c.457_464delinsTG on transcript NM_015978.3 (MANE Select); coding-DNA positions 457 to 464, CTGTTGCA replaced by TG.
Protein change: p.Leu153_Gln155delinsTer.
Molecular consequence: nonsense.
Genome position (GRCh38, 1-based): chr1:74,331,462-74,331,469, CTGTTGCA replaced by TG. VCF-style: chr1-74331462-CTGTTGCA-TG. GRCh37 (hg19) VCF-style: chr1-74797146-CTGTTGCA-TG.
Other names: c.760_767delinsTG, p.Leu254_Gln256delinsTer (NM_001112808.3, NM_001199327.2).
Identifiers: ClinVar variation 2059643 (VCV002059643.4), dbSNP rs2524314178, ClinGen allele CA2580063301.